The following is an entry in ClinVar:

ClinVar aggregate classification (germline): Uncertain significance (1 of 4 stars; one submission).

Conditions:
Candidiasis, familial, 9 (CANDF9). Identifiers: Orphanet 1334, MedGen C4225324, MONDO:0014642, OMIM 616445.

Submission:

Labcorp Genetics (formerly Invitae), Labcorp
Classification: Uncertain significance for Candidiasis, familial, 9. Last evaluated: 2024-08-08. Review status: criteria provided, single submitter. Criteria: Invitae Variant Classification Sherloc (09022015). Collection method: clinical testing. Allele origin: germline.
Comment: This sequence change replaces proline, which is neutral and non-polar, with arginine, which is basic and polar, at codon 461 of the IL17RC protein (p.Pro461Arg). This variant is not present in population databases (gnomAD no frequency). This variant has not been reported in the literature in individuals affected with IL17RC-related conditions. An algorithm developed to predict the effect of missense changes on protein structure and function (PolyPhen-2) suggests that this variant is likely to be disruptive. In summary, the available evidence is currently insufficient to determine the role of this variant in disease. Therefore, it has been classified as a Variant of Uncertain Significance.

NM_153460.4(IL17RC):c.1169C>G (p.Pro390Arg)

Gene: IL17RC (interleukin 17 receptor C; plus strand). Cytogenetic location: 3p25.3.
Variant type: single nucleotide variant.
Coding change: c.1169C>G on transcript NM_153460.4 (MANE Select); coding-DNA position 1169, C replaced by G.
Protein change: p.Pro390Arg; replaces proline 390 with arginine.
Molecular consequence: missense variant. On other transcripts: non-coding transcript variant (1).
Genome position (GRCh38, 1-based): chr3:9,930,040, C>G. VCF-style: chr3-9930040-C-G. GRCh37 (hg19) VCF-style: chr3-9971724-C-G.
Other names: c.1169C>G, p.Pro390Arg (NM_001203263.2); c.1118C>G, p.Pro373Arg (NM_001203264.2); c.1073C>G, p.Pro358Arg (NM_001203265.2, NM_001410711.1); c.1130C>G, p.Pro377Arg (NM_001367278.1); c.1049C>G, p.Pro350Arg (NM_001367279.1); c.1124C>G, p.Pro375Arg (NM_001367280.1, NM_032732.6); c.1382C>G, p.Pro461Arg (NM_153461.4); short protein forms P375R, P350R, P377R, P358R, P373R, P390R, P461R.
Identifiers: ClinVar variation 3661495 (VCV003661495.2).